The following is an entry in ClinVar:

ClinVar aggregate classification (germline): Pathogenic (1 of 4 stars; one submission).

Conditions:
Bethlem myopathy 1A. Also called: MYOPATHY, BENIGN CONGENITAL, WITH CONTRACTURES; Bethlem Muscular Dystrophy; Bethlem myopathy 1. Identifiers: Orphanet 610, MedGen CN029274, MONDO:0024530, OMIM 158810.

Submission:

Labcorp Genetics (formerly Invitae), Labcorp
Classification: Pathogenic for Bethlem myopathy 1A. Last evaluated: 2021-03-22. Review status: criteria provided, single submitter. Criteria: Invitae Variant Classification Sherloc (09022015). Collection method: clinical testing. Allele origin: germline.
Comment: This variant has been observed in individual(s) with clinical features of autosomal dominant COL6A3-related conditions (Invitae). For these reasons, this variant has been classified as Pathogenic. This variant is not present in population databases (ExAC no frequency). This sequence change creates a premature translational stop signal (p.Ser647*) in the COL6A3 gene. It is expected to result in an absent or disrupted protein product. Loss-of-function variants in COL6A3 are known to be pathogenic (PMID: 26004199).

Literature cited by the submitters: PubMed 26004199.

NM_004369.4(COL6A3):c.1940C>A (p.Ser647Ter)

Gene: COL6A3 (collagen type VI alpha 3 chain; minus strand). Cytogenetic location: 2q37.3.
Variant type: single nucleotide variant.
Coding change: c.1940C>A on transcript NM_004369.4 (MANE Select); coding-DNA position 1940, C replaced by A.
Protein change: p.Ser647Ter; replaces serine 647 with a stop codon.
Molecular consequence: nonsense. On other transcripts: intron variant (1).
Genome position (GRCh38, 1-based): chr2:237,379,193, G>T on the plus strand (C>A on the coding strand, the complement: COL6A3 is on the minus strand). VCF-style: chr2-237379193-G-T. GRCh37 (hg19) VCF-style: chr2-238287836-G-T.
Other names: c.719C>A, p.Ser240Ter (NM_057164.5); c.1322C>A, p.Ser441Ter (NM_057165.5, NM_057167.4); c.676+1722C>A (NM_057166.5); short protein forms S240*, S441*, S647*.
Identifiers: ClinVar variation 1451383 (VCV001451383.8), dbSNP rs2106367443, ClinGen allele CA351215200.